The following is an entry in ClinVar:

ClinVar aggregate classification (germline): Benign/Likely benign. Review status: criteria provided, multiple submitters, no conflicts (2 of 4 stars). 4 submissions from 4 submitters: Benign (2); Likely benign (2). Last evaluated 2024-11-27.

Conditions:
Mannose-binding lectin deficiency. Also called: LECTIN COMPLEMENT ACTIVATION PATHWAY, DEFECT IN, 1; MBP DEFICIENCY; MBL DEFICIENCY; MBL2 DEFICIENCY; Chronic infections, due to MBL deficiency. Identifiers: MedGen C3280586, MONDO:0013714, OMIM 614372.

Allele frequency attached by ClinVar (database versions not stated): 1000 Genomes Project 30x 0.73501; 1000 Genomes Project 0.73882; ESP Exome Variant Server 0.77061; gnomAD 0.77728 and 0.77778; TOPMed 0.78039; ExAC 0.80414; gnomAD exomes 0.80716 and 0.82034.
gnomAD v4.1: 1,266,136 of 1,551,782 alleles (82%); highest among the groups gnomAD compares: Admixed American, 87%; 518,861 homozygotes.

Submissions (4):

Blueprint Genetics
Classification: Benign. Last evaluated: 2024-11-27. Review status: criteria provided, single submitter. Criteria: ACMG Guidelines, 2015. Collection method: clinical testing. Allele origin: germline.

Illumina Laboratory Services, Illumina
Classification: Likely benign for Mannose-binding lectin deficiency. Last evaluated: 2017-04-27. Review status: criteria provided, single submitter. Criteria: ICSL Variant Classification Criteria 13 December 2019. Collection method: clinical testing. Allele origin: germline.
Comment: This variant was observed as part of a predisposition screen in an ostensibly healthy population. A literature search was performed for the gene, cDNA change, and amino acid change (where applicable). No publications were found based on this search. Allele frequency data from public databases allowed determination this variant is unlikely to cause disease. Therefore, this variant is classified as likely benign.

Laboratory for Molecular Medicine, Mass General Brigham Personalized Medicine
Classification: Benign. Last evaluated: 2016-03-28. Review status: criteria provided, single submitter. Criteria: LMM Criteria. Collection method: clinical testing. Allele origin: germline.
Comment: Variant identified in a genome or exome case(s) and assessed due to predicted null impact of the variant or pathogenic assertions in the literature or databases. Disclaimer: This variant has not undergone full assessment. The following are preliminary notes: Frequency

Breakthrough Genomics
Classification: Likely benign. Review status: criteria provided, single submitter. Criteria: ACMG Guidelines, 2015. Collection method: not provided. Allele origin: germline. Inheritance: Autosomal dominant inheritance. Affected: yes.

NM_001378373.1(MBL2):c.378C>G (p.Leu126=)

Gene: MBL2 (mannose binding lectin 2; minus strand). Cytogenetic location: 10q21.1.
Variant type: single nucleotide variant.
Coding change: c.378C>G on transcript NM_001378373.1 (MANE Select); coding-DNA position 378, C replaced by G.
Protein change: p.Leu126=; no amino-acid change (leucine 126 retained).
Molecular consequence: synonymous variant.
Genome position (GRCh38, 1-based): chr10:52,768,506, G>C on the plus strand (C>G on the coding strand, the complement: MBL2 is on the minus strand). VCF-style: chr10-52768506-G-C. GRCh37 (hg19) VCF-style: chr10-54528266-G-C.
Other names: c.378C>G, p.Leu126= (NM_000242.3, NM_001378374.1).
Identifiers: ClinVar variation 300148 (VCV000300148.10), dbSNP rs930507, ClinGen allele CA5504321.
Genomic context (GRCh38, chr10:52,768,506, plus strand): 5'-CATTATTTCACCATTGGTCAGGAAGAACTTGTTCCCAACTTGTTTGCCCAGAGAGAAGGT[G>C]AGCCCTAAAATGTGAAAAAGTGGGTGAAACTGACTCATCCTTAAGCCCAACTCAAGGTAT-3'
Protein context (NP_001365302.1, residues 116-136): QTEMARIKKW[Leu126=]TFSLGKQVGN